The following is an entry in ClinVar:

ClinVar aggregate classification (germline): Uncertain significance (1 of 4 stars; one submission).

gnomAD v4.1: 5 of 1,525,348 alleles (0.00033%); highest among the groups gnomAD compares: African/African-American, 0.0058%; no homozygotes.

Submission:

Labcorp Genetics (formerly Invitae), Labcorp
Classification: Uncertain significance. Last evaluated: 2024-11-09. Review status: criteria provided, single submitter. Criteria: Invitae Variant Classification Sherloc (09022015). Collection method: clinical testing. Allele origin: germline.
Comment: This sequence change replaces phenylalanine, which is neutral and non-polar, with leucine, which is neutral and non-polar, at codon 96 of the TPRKB protein (p.Phe96Leu). This variant is present in population databases (rs769029364, gnomAD 0.007%). This variant has not been reported in the literature in individuals affected with TPRKB-related conditions. An algorithm developed to predict the effect of missense changes on protein structure and function (PolyPhen-2) suggests that this variant is likely to be disruptive. In summary, the available evidence is currently insufficient to determine the role of this variant in disease. Therefore, it has been classified as a Variant of Uncertain Significance.

NM_016058.5(TPRKB):c.286T>C (p.Phe96Leu)

Gene: TPRKB (TP53RK binding protein; minus strand). Cytogenetic location: 2p13.1.
Variant type: single nucleotide variant.
Coding change: c.286T>C on transcript NM_016058.5 (MANE Select); coding-DNA position 286, T replaced by C.
Protein change: p.Phe96Leu; replaces phenylalanine 96 with leucine.
Molecular consequence: missense variant.
Genome position (GRCh38, 1-based): chr2:73,730,715, A>G on the plus strand (T>C on the coding strand, the complement: TPRKB is on the minus strand). VCF-style: chr2-73730715-A-G. GRCh37 (hg19) VCF-style: chr2-73957842-A-G.
Other names: c.403T>C, p.Phe135Leu (NM_001330386.2, NM_001330387.2); c.286T>C, p.Phe96Leu (NM_001330388.2, NM_001330389.2); c.232T>C, p.Phe78Leu (NM_001330390.2); c.187T>C, p.Phe63Leu (NM_001330391.2, NM_001330392.2); short protein forms F63L, F96L, F78L, F135L.
Identifiers: ClinVar variation 3695467 (VCV003695467.2).
Genomic context (GRCh38, chr2:73,730,715, plus strand): 5'-GTTTTTCTCCCTCTTCAATGTAAACAATTAGAATTGAAGTGTCATTTGCTGAGATACCAA[A>G]TTTTTTCAAAGCCTCTGAAATCTAAGAGAAAAAAAATGAAAAAAAAAACACAAGATCATT-3'
Protein context (NP_057142.1, residues 86-106): NNNISEALKK[Phe96Leu]GISANDTSIL